The following is an entry in ClinVar:

NM_006031.6(PCNT):c.8593_8594del (p.Arg2865fs)

Gene: PCNT (pericentrin; plus strand). Cytogenetic location: 21q22.3.
Variant type: Microsatellite.
Coding change: c.8593_8594del on transcript NM_006031.6 (MANE Select); coding-DNA positions 8593 to 8594, 2 bases deleted (AG; older notation c.8593_8594delAG).
Protein change: p.Arg2865fs; shifts the reading frame from arginine 2865.
Molecular consequence: frameshift variant. On other transcripts: intron variant (1).
Genome position (GRCh38, 1-based): chr21:46,432,057-46,432,058, AG deleted; deleting any 2 consecutive bases within chr21:46,432,048-46,432,058 gives the same sequence; the c. name uses the placement nearest the transcript's 3' end. VCF-style (leftmost placement, unchanged base first): chr21-46432047-GGA-G. GRCh37 (hg19) VCF-style: chr21-47851961-GGA-G.
Other names: c.8160+70GA[4] (NM_001315529.2); short protein forms R2865fs.
Identifiers: ClinVar variation 2632726 (VCV002632726.5), dbSNP rs751242426, ClinGen allele CA10080998.
Genomic context (GRCh38, chr21:46,432,047, plus strand): 5'-CACACTGAAGTCGACGGTGGAAGCCCTGCACACCCAAAAACGAGAGCTGAGATGCTCTCT[GGA>G]GAGAGAGAGGGAGAAACCAGCGTGGTTGCAGGCAGAATTAGAGCAGTCACACCCACGGTT-3'

ClinVar aggregate classification (germline): Pathogenic. Review status: criteria provided, multiple submitters, no conflicts (2 of 4 stars). 3 submissions from 3 submitters: Pathogenic (3). Last evaluated 2025-10-03.

Conditions:
PCNT-related disorder. Also called: PCNT-related condition.
Microcephalic osteodysplastic primordial dwarfism type II (MOPD2). Also called: Microcephalic osteodysplastic primordial dwarfism with tooth abnormalities; MOPD II; OSTEODYSPLASTIC PRIMORDIAL DWARFISM, TYPE II. Identifiers: Orphanet 2637, MedGen C0432246, MONDO:0008872, OMIM 210720.

Submissions (3):

Labcorp Genetics (formerly Invitae), Labcorp
Classification: Pathogenic. Last evaluated: 2025-10-03. Review status: criteria provided, single submitter. Criteria: Invitae Variant Classification Sherloc (09022015). Collection method: clinical testing. Allele origin: germline.
Comment: This sequence change creates a premature translational stop signal (p.Arg2865Glyfs*62) in the PCNT gene. It is expected to result in an absent or disrupted protein product. Loss-of-function variants in PCNT are known to be pathogenic (PMID: 18174396, 22821869). The frequency data for this variant in the population databases is considered unreliable, as metrics indicate poor data quality at this position in the gnomAD database. This variant has not been reported in the literature in individuals affected with PCNT-related conditions. For these reasons, this variant has been classified as Pathogenic.

Genomic Medicine Center of Excellence, King Faisal Specialist Hospital and Research Centre
Classification: Pathogenic for Microcephalic osteodysplastic primordial dwarfism type II. Last evaluated: 2025-09-10. Review status: criteria provided, single submitter. Criteria: ACMG Guidelines, 2015. Collection method: clinical testing. Allele origin: germline.

PreventionGenetics, part of Exact Sciences
Classification: Pathogenic for PCNT-related condition. Last evaluated: 2022-10-25. Review status: criteria provided, single submitter. Criteria: ACMG Guidelines, 2015. Collection method: clinical testing. Allele origin: germline.
Comment: The PCNT c.8593_8594delAG variant is predicted to result in a frameshift and premature protein termination (p.Arg2865Glyfs*62). To our knowledge, this variant has not been reported in the literature. This variant is reported in 0.0098% of alleles in individuals of South Asian descent in gnomAD. Frameshift variants in PCNT are expected to be pathogenic. This variant is interpreted as pathogenic.

Literature cited by the submitters: PubMed 18174396 (cited by Labcorp Genetics (formerly Invitae), Labcorp); PubMed 22821869 (cited by Labcorp Genetics (formerly Invitae), Labcorp).